The following is an entry in ClinVar:

NM_000070.3(CAPN3):c.1404C>G (p.Asp468Glu)

Gene: CAPN3 (calpain 3; plus strand). Cytogenetic location: 15q15.1.
Variant type: single nucleotide variant.
Coding change: c.1404C>G on transcript NM_000070.3 (MANE Select); coding-DNA position 1404, C replaced by G.
Protein change: p.Asp468Glu; replaces aspartic acid 468 with glutamic acid.
Molecular consequence: missense variant.
Genome position (GRCh38, 1-based): chr15:42,401,690, C>G. VCF-style: chr15-42401690-C-G. GRCh37 (hg19) VCF-style: chr15-42693888-C-G.
Other names: c.1404C>G, p.Asp468Glu (NM_024344.2); c.1260C>G, p.Asp420Glu (NM_173087.2); short protein forms D420E, D468E.
Identifiers: ClinVar variation 1440092 (VCV001440092.5), dbSNP rs534326487, ClinGen allele CA7511352.

ClinVar aggregate classification (germline): Uncertain significance (1 of 4 stars; one submission).

Conditions:
Autosomal recessive limb-girdle muscular dystrophy type 2A (LGMDR1). Also called: Muscular dystrophy, limb-girdle, type 2A, Amish; LEYDEN-MOEBIUS MUSCULAR DYSTROPHY; MUSCULAR DYSTROPHY, PELVOFEMORAL; Limb-girdle muscular dystrophy, type 2A; Calpainopathy. Identifiers: Orphanet 267, MedGen C1869123, MONDO:0009675, OMIM 253600. Disease mechanism: loss of function.

gnomAD v4.1: 1 of 1,614,118 alleles (0.000062%); highest among the groups gnomAD compares: Non-Finnish European, 0.000085%; no homozygotes.

Submission:

Labcorp Genetics (formerly Invitae), Labcorp
Classification: Uncertain significance for Autosomal recessive limb-girdle muscular dystrophy type 2A. Last evaluated: 2022-03-03. Review status: criteria provided, single submitter. Criteria: Invitae Variant Classification Sherloc (09022015). Collection method: clinical testing. Allele origin: germline.
Comment: This sequence change replaces aspartic acid, which is acidic and polar, with glutamic acid, which is acidic and polar, at codon 468 of the CAPN3 protein (p.Asp468Glu). This variant is present in population databases (rs534326487, gnomAD 0.0009%). This variant has not been reported in the literature in individuals affected with CAPN3-related conditions. Algorithms developed to predict the effect of missense changes on protein structure and function are either unavailable or do not agree on the potential impact of this missense change (SIFT: "Tolerated"; PolyPhen-2: "Possibly Damaging"; Align-GVGD: "Class C0"). In summary, the available evidence is currently insufficient to determine the role of this variant in disease. Therefore, it has been classified as a Variant of Uncertain Significance.